The following is an entry in ClinVar:

ClinVar aggregate classification (germline): Uncertain significance. Review status: criteria provided, multiple submitters, no conflicts (2 of 4 stars). 3 submissions from 3 submitters: Uncertain significance (3). Last evaluated 2025-08-07.

Conditions:
RASopathy. Also called: rasopathies; Noonan spectrum disorder. Identifiers: Orphanet 536391, MedGen C5555857, MONDO:0021060.
Noonan syndrome-like disorder with loose anagen hair 1 (NSLH1). Also called: TOSTI SYNDROME; MAZZANTI SYNDROME. Identifiers: Orphanet 2701, MedGen C4478716, MONDO:0054637, OMIM 607721.
Cardiovascular phenotype. Identifiers: MedGen CN230736.

Allele frequency attached by ClinVar (database versions not stated): gnomAD 0.00001; gnomAD exomes 0.00001 and 0.00002; ExAC 0.00002; TOPMed 0.00002.
gnomAD v4.1: 16 of 1,613,942 alleles (0.00099%); highest among the groups gnomAD compares: Admixed American, 0.017%; 1 homozygote.

Submissions (3):

Ambry Genetics
Classification: Uncertain significance for Cardiovascular phenotype. Last evaluated: 2025-08-07. Review status: criteria provided, single submitter. Criteria: Ambry Variant Classification Scheme 2023. Collection method: clinical testing. Allele origin: germline.

Labcorp Genetics (formerly Invitae), Labcorp
Classification: Uncertain significance for RASopathy. Last evaluated: 2025-08-03. Review status: criteria provided, single submitter. Criteria: Invitae Variant Classification Sherloc (09022015). Collection method: clinical testing. Allele origin: germline.
Comment: This sequence change replaces serine, which is neutral and polar, with glycine, which is neutral and non-polar, at codon 554 of the SHOC2 protein (p.Ser554Gly). This variant is present in population databases (rs771053632, gnomAD 0.01%). This variant has not been reported in the literature in individuals affected with SHOC2-related conditions. ClinVar contains an entry for this variant (Variation ID: 1354851). Invitae Evidence Modeling of protein sequence and biophysical properties (such as structural, functional, and spatial information, amino acid conservation, physicochemical variation, residue mobility, and thermodynamic stability) indicates that this missense variant is not expected to disrupt SHOC2 protein function with a negative predictive value of 80%. In summary, the available evidence is currently insufficient to determine the role of this variant in disease. Therefore, it has been classified as a Variant of Uncertain Significance.

Fulgent Genetics
Classification: Uncertain significance for Noonan syndrome-like disorder with loose anagen hair 1. Last evaluated: 2021-10-14. Review status: criteria provided, single submitter. Criteria: ACMG Guidelines, 2015. Collection method: clinical testing. Allele origin: unknown.

NM_007373.4(SHOC2):c.1660A>G (p.Ser554Gly)

Gene: SHOC2 (SHOC2 leucine rich repeat scaffold protein; plus strand). Cytogenetic location: 10q25.2.
Variant type: single nucleotide variant.
Coding change: c.1660A>G on transcript NM_007373.4 (MANE Select); coding-DNA position 1660, A replaced by G.
Protein change: p.Ser554Gly; replaces serine 554 with glycine.
Molecular consequence: missense variant. On other transcripts: non-coding transcript variant (1).
Genome position (GRCh38, 1-based): chr10:111,011,729, A>G. VCF-style: chr10-111011729-A-G. GRCh37 (hg19) VCF-style: chr10-112771487-A-G.
Other names: c.1522A>G, p.Ser508Gly (NM_001269039.3); c.1660A>G, p.Ser554Gly (NM_001324336.2, NM_001324337.2); short protein forms S508G, S554G.
Identifiers: ClinVar variation 1354851 (VCV001354851.12), dbSNP rs771053632, ClinGen allele CA5689826.